The following is an entry in ClinVar:

NM_007118.4(TRIO):c.67G>A (p.Ala23Thr)

Gene: TRIO (trio Rho guanine nucleotide exchange factor; plus strand). Cytogenetic location: 5p15.2.
Variant type: single nucleotide variant.
Coding change: c.67G>A on transcript NM_007118.4 (MANE Select); coding-DNA position 67, G replaced by A.
Protein change: p.Ala23Thr; replaces alanine 23 with threonine.
Molecular consequence: missense variant. On other transcripts: non-coding transcript variant (1).
Genome position (GRCh38, 1-based): chr5:14,143,792, G>A. VCF-style: chr5-14143792-G-A. GRCh37 (hg19) VCF-style: chr5-14143901-G-A.
Other names: short protein forms A23T.
Identifiers: ClinVar variation 714992 (VCV000714992.17), dbSNP rs566570633, ClinGen allele CA114683591.

ClinVar aggregate classification (germline): Benign/Likely benign. Review status: criteria provided, multiple submitters, no conflicts (2 of 4 stars). 5 submissions from 5 submitters: Benign (1); Likely benign (3). 1 of the submissions does not count toward it. Last evaluated 2025-05-01.

Conditions:
TRIO-related disorder. Also called: TRIO-related disorders; TRIO-related condition.
Inborn genetic diseases. Identifiers: MedGen C0950123, MeSH D030342.

Allele frequency attached by ClinVar (database versions not stated): gnomAD exomes 0.00014; TOPMed 0.00106; gnomAD 0.00108 and 0.00117; 1000 Genomes Project 0.00140; 1000 Genomes Project 30x 0.00156.
gnomAD v4.1: 280 of 1,037,030 alleles (0.027%); highest among the groups gnomAD compares: African/African-American, 0.35%; no homozygotes.

Submissions (5):

CeGaT Center for Human Genetics Tuebingen
Classification: Likely benign. Last evaluated: 2025-05-01. Review status: criteria provided, single submitter. Criteria: CeGaT Center For Human Genetics Tuebingen Variant Classification Criteria Version 2. Collection method: clinical testing. Allele origin: germline. Affected: yes. Observed: 1 variant allele.
Comment: TRIO: BS1

Ambry Genetics
Classification: Likely benign for Inborn genetic diseases. Last evaluated: 2024-01-16. Review status: criteria provided, single submitter. Criteria: Ambry Variant Classification Scheme 2023. Collection method: clinical testing. Allele origin: germline.

GeneDx
Classification: Benign. Last evaluated: 2020-12-07. Review status: criteria provided, single submitter. Criteria: GeneDx Variant Classification Process June 2021. Collection method: clinical testing. Allele origin: germline. Affected: yes.

Labcorp Genetics (formerly Invitae), Labcorp
Classification: Likely benign. Last evaluated: 2018-05-16. Review status: criteria provided, single submitter. Criteria: Invitae Variant Classification Sherloc (09022015). Collection method: clinical testing. Allele origin: germline.

PreventionGenetics, part of Exact Sciences
Classification: Likely benign for TRIO-related condition. Last evaluated: 2022-05-03. Review status: no assertion criteria provided. Collection method: clinical testing. Allele origin: germline. Not counted in ClinVar's aggregate classification.
Comment: This variant is classified as likely benign based on ACMG/AMP sequence variant interpretation guidelines (Richards et al. 2015 PMID: 25741868, with internal and published modifications).